The following is an entry in ClinVar:

NM_001080517.3(SETD5):c.2237C>A (p.Pro746Gln)

Gene: SETD5 (SET domain containing 5; plus strand). Cytogenetic location: 3p25.3.
Variant type: single nucleotide variant.
Coding change: c.2237C>A on transcript NM_001080517.3 (MANE Select); coding-DNA position 2237, C replaced by A.
Protein change: p.Pro746Gln; replaces proline 746 with glutamine.
Molecular consequence: missense variant.
Genome position (GRCh38, 1-based): chr3:9,448,521, C>A. VCF-style: chr3-9448521-C-A. GRCh37 (hg19) VCF-style: chr3-9490205-C-A.
Other names: c.1943C>A, p.Pro648Gln (NM_001292043.2, NM_001349451.2); short protein forms P648Q, P746Q.
Identifiers: ClinVar variation 3368083 (VCV003368083.2).
Genomic context (GRCh38, chr3:9,448,521, plus strand): 5'-CAACGGATCCAACTGTACTGGCAACGACCCTAAACATGTTACCAGGTCTTATCCATTCCC[C>A]GTTAATTTGCACCACCCCCAAACACTACATTCGCTTTGGCTCACCCTTTATCCCTGAGAG-3'
Protein context (NP_001073986.1, residues 736-756): LNMLPGLIHS[Pro746Gln]LICTTPKHYI

ClinVar aggregate classification (germline): Uncertain significance (1 of 4 stars; one submission).

Submission:

GeneDx
Classification: Uncertain significance. Last evaluated: 2025-12-11. Review status: criteria provided, single submitter. Criteria: GeneDx Variant Classification Process June 2021. Collection method: clinical testing. Allele origin: germline.
Comment: Not observed at significant frequency in large population cohorts (gnomAD); In silico analysis supports that this missense variant has a deleterious effect on protein structure/function; Has not been previously published as pathogenic or benign to our knowledge